The following is an entry in ClinVar:

NM_025179.4(PLXNA2):c.4773C>A (p.Asp1591Glu)

Gene: PLXNA2 (plexin A2; minus strand). Cytogenetic location: 1q32.2.
Variant type: single nucleotide variant.
Coding change: c.4773C>A on transcript NM_025179.4 (MANE Select); coding-DNA position 4773, C replaced by A.
Protein change: p.Asp1591Glu; replaces aspartic acid 1591 with glutamic acid.
Molecular consequence: missense variant.
Genome position (GRCh38, 1-based): chr1:208,034,584, G>T on the plus strand (C>A on the coding strand, the complement: PLXNA2 is on the minus strand). VCF-style: chr1-208034584-G-T. GRCh37 (hg19) VCF-style: chr1-208207929-G-T.
Other names: short protein forms D1591E.
Identifiers: ClinVar variation 2635981 (VCV002635981.2), dbSNP rs151296962, ClinGen allele CA1372763.

ClinVar aggregate classification (germline): Uncertain significance (1 of 4 stars; one submission).

Conditions:
PLXNA2-related disorder. Also called: PLXNA2-related condition.

Allele frequency attached by ClinVar (database versions not stated): gnomAD exomes 0.00001; gnomAD 0.00002; ExAC 0.00003; TOPMed 0.00003; ESP Exome Variant Server 0.00008; 1000 Genomes Project 0.00040; 1000 Genomes Project 30x 0.00047.
gnomAD v4.1: 21 of 1,609,010 alleles (0.0013%); highest among the groups gnomAD compares: Admixed American, 0.005%; no homozygotes.

Submission:

PreventionGenetics, part of Exact Sciences
Classification: Uncertain significance for PLXNA2-related condition. Last evaluated: 2026-06-15. Review status: criteria provided, single submitter. Criteria: ACMG Guidelines, 2015. Collection method: clinical testing. Allele origin: germline.
Comment: The PLXNA2 c.4773C>A variant is predicted to result in the amino acid substitution p.Asp1591Glu. To our knowledge, this variant has not been reported in the literature. This variant is reported in 0.0031% of alleles in individuals of European (Non-Finnish) descent in gnomAD. At this time, the clinical significance of this variant is uncertain due to the absence of conclusive functional and genetic evidence.